The following is an entry in ClinVar:

NM_001098511.3(KIF2A):c.559-16C>G

Gene: KIF2A (kinesin family member 2A; plus strand). Cytogenetic location: 5q12.1.
Variant type: single nucleotide variant.
Coding change: c.559-16C>G on transcript NM_001098511.3 (MANE Select); 16 bases into the intron before coding-DNA position 559, C replaced by G.
Molecular consequence: intron variant.
Genome position (GRCh38, 1-based): chr5:62,355,143, C>G. VCF-style: chr5-62355143-C-G. GRCh37 (hg19) VCF-style: chr5-61650970-C-G.
Other names: c.478-16C>G (NM_001243952.2); c.559-16C>G (NM_004520.5); c.502-16C>G (NM_001243953.2).
Identifiers: ClinVar variation 506748 (VCV000506748.11), dbSNP rs114437064, ClinGen allele CA3278813.

ClinVar aggregate classification (germline): Benign. Review status: criteria provided, multiple submitters, no conflicts (2 of 4 stars). 3 submissions from 3 submitters: Benign (3). Last evaluated 2026-02-03.

Allele frequency attached by ClinVar (database versions not stated): ESP Exome Variant Server 0.00800; 1000 Genomes Project 30x 0.00828; gnomAD 0.00649 and 0.00694; TOPMed 0.00702; 1000 Genomes Project 0.00759.
gnomAD v4.1: 1,673 of 1,133,214 alleles (0.15%); highest among the groups gnomAD compares: African/African-American, 2.3%; 16 homozygotes.

Submissions (10):

Labcorp Genetics (formerly Invitae), Labcorp
Classification: Benign. Last evaluated: 2026-02-03. Review status: criteria provided, single submitter. Criteria: Invitae Variant Classification Sherloc (09022015). Collection method: clinical testing. Allele origin: germline.

GeneDx
Classification: Benign. Last evaluated: 2017-02-16. Review status: criteria provided, single submitter. Criteria: GeneDx Variant Classification (06012015). Collection method: clinical testing. Allele origin: germline. Affected: yes.
Comment: This variant is considered likely benign or benign based on one or more of the following criteria: it is a conservative change, it occurs at a poorly conserved position in the protein, it is predicted to be benign by multiple in silico algorithms, and/or has population frequency not consistent with disease.

Breakthrough Genomics
Classification: Benign. Review status: criteria provided, single submitter. Criteria: ACMG Guidelines, 2015. Collection method: not provided. Allele origin: germline. Inheritance: Autosomal dominant inheritance. Affected: yes.

Dr. Peter K. Rogan Lab, Western University
No classification provided (evidence only). Condition: Lung cancer. Review status: no classification provided. Collection method: in vitro. Allele origin: not applicable. Functional consequence: retained intron. Not counted in ClinVar's aggregate classification.

Dr. Peter K. Rogan Lab, Western University
No classification provided (evidence only). Condition: Uterine corpus endometrial carcinoma. Review status: no classification provided. Collection method: in vitro. Allele origin: not applicable. Functional consequence: retained intron. Not counted in ClinVar's aggregate classification.

Dr. Peter K. Rogan Lab, Western University
No classification provided (evidence only). Condition: Cervical cancer. Review status: no classification provided. Collection method: in vitro. Allele origin: not applicable. Functional consequence: retained intron. Not counted in ClinVar's aggregate classification.

Dr. Peter K. Rogan Lab, Western University
No classification provided (evidence only). Condition: Cervical cancer. Review status: no classification provided. Collection method: in vitro. Allele origin: not applicable. Functional consequence: retained intron. Not counted in ClinVar's aggregate classification.

Dr. Peter K. Rogan Lab, Western University
No classification provided (evidence only). Condition: Cervical cancer. Review status: no classification provided. Collection method: in vitro. Allele origin: not applicable. Functional consequence: retained intron. Not counted in ClinVar's aggregate classification.

Dr. Peter K. Rogan Lab, Western University
No classification provided (evidence only). Condition: Cervical cancer. Review status: no classification provided. Collection method: in vitro. Allele origin: not applicable. Functional consequence: retained intron. Not counted in ClinVar's aggregate classification.

Dr. Peter K. Rogan Lab, Western University
No classification provided (evidence only). Condition: Thymoma. Review status: no classification provided. Collection method: in vitro. Allele origin: not applicable. Functional consequence: retained intron. Not counted in ClinVar's aggregate classification.